The following is an entry in ClinVar:

ClinVar aggregate classification (germline): Uncertain significance (1 of 4 stars; one submission).

Submission:

Labcorp Genetics (formerly Invitae), Labcorp
Classification: Uncertain significance. Last evaluated: 2023-10-05. Review status: criteria provided, single submitter. Criteria: Invitae Variant Classification Sherloc (09022015). Collection method: clinical testing. Allele origin: germline.
Comment: This sequence change replaces proline, which is neutral and non-polar, with serine, which is neutral and polar, at codon 375 of the USP9X protein (p.Pro375Ser). This variant is not present in population databases (gnomAD no frequency). This variant has not been reported in the literature in individuals affected with USP9X-related conditions. ClinVar contains an entry for this variant (Variation ID: 1717395). Algorithms developed to predict the effect of missense changes on protein structure and function output the following: SIFT: "Not Available"; PolyPhen-2: "Possibly Damaging"; Align-GVGD: "Not Available". The serine amino acid residue is found in multiple mammalian species, which suggests that this missense change does not adversely affect protein function. In summary, the available evidence is currently insufficient to determine the role of this variant in disease. Therefore, it has been classified as a Variant of Uncertain Significance.

NM_001039591.3(USP9X):c.1123C>T (p.Pro375Ser)

Gene: USP9X (ubiquitin specific peptidase 9 X-linked; plus strand). Cytogenetic location: Xp11.4.
Variant type: single nucleotide variant.
Coding change: c.1123C>T on transcript NM_001039591.3 (MANE Select); coding-DNA position 1123, C replaced by T.
Protein change: p.Pro375Ser; replaces proline 375 with serine.
Molecular consequence: missense variant.
Genome position (GRCh38, 1-based): chrX:41,141,393, C>T. VCF-style: chrX-41141393-C-T. GRCh37 (hg19) VCF-style: chrX-41000646-C-T.
Other names: c.1123C>T, p.Pro375Ser (NM_001039590.3, NM_001410748.1, NM_001410749.1); short protein forms P375S.
Identifiers: ClinVar variation 1717395 (VCV001717395.5), dbSNP rs2519133417, ClinGen allele CA412768368.
Genomic context (GRCh38, chrX:41,141,393, plus strand): 5'-CTGAATGAAGTTAATAAGGTGATATCTAGTGTATCATACTATACTCATCGACATGGTAAT[C>T]CTGAGGAGGAAGAGTGGCTCACAGCTGAACGAATGGCAGTGAGTCTTTCAGTTCTTCTTC-3'
Protein context (NP_001034680.2, residues 365-385): VSYYTHRHGN[Pro375Ser]EEEEWLTAER